The following is an entry in ClinVar:

ClinVar aggregate classification (germline): Uncertain significance (1 of 4 stars; one submission).

gnomAD v4.1: 2 of 1,610,768 alleles (0.00012%); highest among the groups gnomAD compares: Admixed American, 0.0034%; no homozygotes.

Submission:

Labcorp Genetics (formerly Invitae), Labcorp
Classification: Uncertain significance. Last evaluated: 2024-04-06. Review status: criteria provided, single submitter. Criteria: Invitae Variant Classification Sherloc (09022015). Collection method: clinical testing. Allele origin: germline.
Comment: This sequence change replaces valine, which is neutral and non-polar, with leucine, which is neutral and non-polar, at codon 656 of the REST protein (p.Val656Leu). This variant is present in population databases (no rsID available, gnomAD 0.003%). This variant has not been reported in the literature in individuals affected with REST-related conditions. Algorithms developed to predict the effect of missense changes on protein structure and function output the following: SIFT: "Not Available"; PolyPhen-2: "Benign"; Align-GVGD: "Not Available". The leucine amino acid residue is found in multiple mammalian species, which suggests that this missense change does not adversely affect protein function. In summary, the available evidence is currently insufficient to determine the role of this variant in disease. Therefore, it has been classified as a Variant of Uncertain Significance.

NM_005612.5(REST):c.1966G>C (p.Val656Leu)

Gene: REST (RE1 silencing transcription factor; plus strand). Cytogenetic location: 4q12.
Variant type: single nucleotide variant.
Coding change: c.1966G>C on transcript NM_005612.5 (MANE Select); coding-DNA position 1966, G replaced by C.
Protein change: p.Val656Leu; replaces valine 656 with leucine.
Molecular consequence: missense variant.
Genome position (GRCh38, 1-based): chr4:56,930,824, G>C. VCF-style: chr4-56930824-G-C. GRCh37 (hg19) VCF-style: chr4-57796990-G-C.
Other names: c.1966G>C, p.Val656Leu (NM_001193508.2, NM_001363453.3); short protein forms V656L.
Identifiers: ClinVar variation 3714250 (VCV003714250.2).
Genomic context (GRCh38, chr4:56,930,824, plus strand): 5'-CATGCTCAGATGGAGGGTGCCCAGATACGGCCTGCTCCTGACGAGCCTGTTCAGATGGAG[G>C]TGGTTCAGGAGGGGCCTGCTCAGAAGGAGCTGCTGCCTCCCGTGGAGCCTGCTCAGATGG-3'
Protein context (NP_005603.3, residues 646-666): PAPDEPVQME[Val656Leu]VQEGPAQKEL